The following is an entry in ClinVar:

NM_001042492.3(NF1):c.5609+2T>G

Gene: NF1 (neurofibromin 1; plus strand). Cytogenetic location: 17q11.2.
Variant type: single nucleotide variant.
Coding change: c.5609+2T>G on transcript NM_001042492.3 (MANE Select); the canonical splice donor site of the intron after coding-DNA position 5609, T replaced by G.
Molecular consequence: splice donor variant.
Genome position (GRCh38, 1-based): chr17:31,327,841, T>G. VCF-style: chr17-31327841-T-G. GRCh37 (hg19) VCF-style: chr17-29654859-T-G.
Other names: c.5546+2T>G (NM_000267.4).
Identifiers: ClinVar variation 858870 (VCV000858870.7), dbSNP rs2069386858, ClinGen allele CA399010082.

ClinVar aggregate classification (germline): Pathogenic (1 of 4 stars; one submission).

Conditions:
Neurofibromatosis, type 1 (NF1). Also called: Neurofibromatosis, type I; VON RECKLINGHAUSEN DISEASE; Peripheral type neurofibromatosis; NEUROFIBROMATOSIS, TYPE I, SOMATIC. Identifiers: Orphanet 636, MedGen C0027831, MONDO:0018975, OMIM 162200. Disease mechanism: loss of function.

Submission:

Labcorp Genetics (formerly Invitae), Labcorp
Classification: Pathogenic for Neurofibromatosis, type 1. Last evaluated: 2023-12-13. Review status: criteria provided, single submitter. Criteria: Invitae Variant Classification Sherloc (09022015). Collection method: clinical testing. Allele origin: germline.
Comment: This sequence change affects a donor splice site in intron 37 of the NF1 gene. RNA analysis indicates that disruption of this splice site induces altered splicing and may result in an absent or disrupted protein product. This variant is not present in population databases (gnomAD no frequency). Disruption of this splice site has been observed in individuals with neurofibromatosis type 1 (PMID: 10712197). ClinVar contains an entry for this variant (Variation ID: 858870). Studies have shown that disruption of this splice site results in skipping of exon 37 and introduces a premature termination codon (Invitae). The resulting mRNA is expected to undergo nonsense-mediated decay. For these reasons, this variant has been classified as Pathogenic.

Literature cited by the submitters: PubMed 10712197.